The following is an entry in ClinVar:

ClinVar aggregate classification (germline): Uncertain significance (1 of 4 stars; one submission).

Conditions:
Larsen-like syndrome, B3GAT3 type. Also called: MULTIPLE JOINT DISLOCATIONS, SHORT STATURE, AND CRANIOFACIAL DYSMORPHISM WITH OR WITHOUT CONGENITAL HEART DEFECTS; Multiple joint dislocations, short stature, craniofacial dysmorphism, with or without congenital heart defects. Identifiers: Orphanet 284139, MedGen CN034159, MONDO:0009511, OMIM 245600.

Allele frequency attached by ClinVar (database versions not stated): gnomAD exomes below 0.00001; ExAC 0.00001.
gnomAD v4.1: 1 of 1,614,016 alleles (0.000062%); highest among the groups gnomAD compares: Admixed American, 0.0017%; no homozygotes.

Submission:

Labcorp Genetics (formerly Invitae), Labcorp
Classification: Uncertain significance for Larsen-like syndrome, B3GAT3 type. Last evaluated: 2022-04-23. Review status: criteria provided, single submitter. Criteria: Invitae Variant Classification Sherloc (09022015). Collection method: clinical testing. Allele origin: germline.
Comment: In summary, the available evidence is currently insufficient to determine the role of this variant in disease. Therefore, it has been classified as a Variant of Uncertain Significance. Algorithms developed to predict the effect of missense changes on protein structure and function (SIFT, PolyPhen-2, Align-GVGD) all suggest that this variant is likely to be tolerated. ClinVar contains an entry for this variant (Variation ID: 1007316). This variant has not been reported in the literature in individuals affected with B3GAT3-related conditions. This variant is present in population databases (rs752696250, gnomAD 0.003%). This sequence change replaces alanine, which is neutral and non-polar, with threonine, which is neutral and polar, at codon 142 of the B3GAT3 protein (p.Ala142Thr).

NM_012200.4(B3GAT3):c.424G>A (p.Ala142Thr)

Gene: B3GAT3 (beta-1,3-glucuronyltransferase 3; minus strand). Cytogenetic location: 11q12.3.
Variant type: single nucleotide variant.
Coding change: c.424G>A on transcript NM_012200.4 (MANE Select); coding-DNA position 424, G replaced by A.
Protein change: p.Ala142Thr; replaces alanine 142 with threonine.
Molecular consequence: missense variant. On other transcripts: non-coding transcript variant (1).
Genome position (GRCh38, 1-based): chr11:62,617,181, C>T on the plus strand (G>A on the coding strand, the complement: B3GAT3 is on the minus strand). VCF-style: chr11-62617181-C-T. GRCh37 (hg19) VCF-style: chr11-62384653-C-T.
Other names: c.403G>A, p.Ala135Thr (NM_001288721.2); c.424G>A, p.Ala142Thr (NM_001288722.2, NM_001288723.2); short protein forms A135T, A142T.
Identifiers: ClinVar variation 1007316 (VCV001007316.7), dbSNP rs752696250, ClinGen allele CA6050124.
Genomic context (GRCh38, chr11:62,617,181, plus strand): 5'-TCCGCTGCTCGACACCACGGGGATGAACCCAGCCAGGCTCGCCCTCCCGAAGCCGCTGGG[C>T]TTTGGGCGTGAGGACCACCAGGTGTGTGAAGAGGAGGCCAGAGGCAGCCAGCAGCCCTGA-3'
Protein context (NP_036332.2, residues 132-152): FTHLVVLTPK[Ala142Thr]QRLREGEPGW